The following is an entry in ClinVar:

NM_000038.6(APC):c.2887A>G (p.Ser963Gly)

Gene: APC (APC regulator of Wnt signaling pathway; plus strand). Cytogenetic location: 5q22.2.
Variant type: single nucleotide variant.
Coding change: c.2887A>G on transcript NM_000038.6 (MANE Select); coding-DNA position 2887, A replaced by G.
Protein change: p.Ser963Gly; replaces serine 963 with glycine.
Molecular consequence: missense variant.
Genome position (GRCh38, 1-based): chr5:112,838,481, A>G. VCF-style: chr5-112838481-A-G. GRCh37 (hg19) VCF-style: chr5-112174178-A-G.
Other names: c.2887A>G (NM_000038.5); c.2887A>G, p.Ser963Gly (NM_001127510.3, NM_001354895.2); c.2833A>G, p.Ser945Gly (NM_001127511.3); c.2941A>G, p.Ser981Gly (NM_001354896.2); c.2917A>G, p.Ser973Gly (NM_001354897.2); c.2812A>G, p.Ser938Gly (NM_001354898.2); c.2803A>G, p.Ser935Gly (NM_001354899.2); c.2764A>G, p.Ser922Gly (NM_001354900.2); and 6 more; short protein forms S935G, S973G, S862G, S904G, S945G, S981G, S803G, S922G.
Identifiers: ClinVar variation 1425606 (VCV001425606.9), dbSNP rs1765288888, ClinGen allele CA16027631.

ClinVar aggregate classification (germline): Uncertain significance. Review status: criteria provided, multiple submitters, no conflicts (2 of 4 stars). 2 submissions from 2 submitters: Uncertain significance (2). Last evaluated 2025-05-24.

Conditions:
Familial adenomatous polyposis 1 (FAP1). Also called: POLYPOSIS, ADENOMATOUS INTESTINAL; FAMILIAL ADENOMATOUS POLYPOSIS 1, ATTENUATED. Identifiers: MedGen C2713442, MONDO:0021056, OMIM 175100. Disease mechanism: loss of function.
Hereditary cancer-predisposing syndrome. Also called: Tumor predisposition; Hereditary neoplastic syndrome; Neoplastic Syndromes, Hereditary; Hereditary Cancer Syndrome. Identifiers: Orphanet 140162, MedGen C0027672, MeSH D009386, MONDO:0015356.

Allele frequency attached by ClinVar (database versions not stated): gnomAD 0.00001.
gnomAD v4.1: 1 of 1,614,114 alleles (0.000062%); highest among the groups gnomAD compares: African/African-American, 0.0013%; no homozygotes.

Submissions (2):

Ambry Genetics
Classification: Uncertain significance for Hereditary cancer-predisposing syndrome. Last evaluated: 2025-05-24. Review status: criteria provided, single submitter. Criteria: Ambry Variant Classification Scheme 2023. Collection method: clinical testing. Allele origin: germline.
Comment: The p.S963G variant (also known as c.2887A>G), located in coding exon 15 of the APC gene, results from an A to G substitution at nucleotide position 2887. The serine at codon 963 is replaced by glycine, an amino acid with similar properties. This amino acid position is conserved. In addition, in silico predictors for this gene do not accurately predict pathogenicity. Based on the available evidence, the clinical significance of this variant remains unclear.

Labcorp Genetics (formerly Invitae), Labcorp
Classification: Uncertain significance for Familial adenomatous polyposis 1. Last evaluated: 2022-12-10. Review status: criteria provided, single submitter. Criteria: Invitae Variant Classification Sherloc (09022015). Collection method: clinical testing. Allele origin: germline.
Comment: This sequence change replaces serine, which is neutral and polar, with glycine, which is neutral and non-polar, at codon 963 of the APC protein (p.Ser963Gly). In summary, the available evidence is currently insufficient to determine the role of this variant in disease. Therefore, it has been classified as a Variant of Uncertain Significance. Advanced modeling of protein sequence and biophysical properties (such as structural, functional, and spatial information, amino acid conservation, physicochemical variation, residue mobility, and thermodynamic stability) performed at Invitae indicates that this missense variant is not expected to disrupt APC protein function. ClinVar contains an entry for this variant (Variation ID: 1425606). This variant has not been reported in the literature in individuals affected with APC-related conditions. This variant is not present in population databases (gnomAD no frequency).